The following is an entry in ClinVar:

NM_012434.5(SLC17A5):c.388G>A (p.Ala130Thr)

Gene: SLC17A5 (solute carrier family 17 member 5; minus strand). Cytogenetic location: 6q13.
Variant type: single nucleotide variant.
Coding change: c.388G>A on transcript NM_012434.5 (MANE Select); coding-DNA position 388, G replaced by A.
Protein change: p.Ala130Thr; replaces alanine 130 with threonine.
Molecular consequence: missense variant.
Genome position (GRCh38, 1-based): chr6:73,641,828, C>T on the plus strand (G>A on the coding strand, the complement: SLC17A5 is on the minus strand). VCF-style: chr6-73641828-C-T. GRCh37 (hg19) VCF-style: chr6-74351551-C-T.
Other names: c.157G>A, p.Ala53Thr (NM_001382629.1, NM_001382636.1); c.388G>A, p.Ala130Thr (NM_001382630.1, NM_001382632.1, NM_001382633.1 and 2 more transcripts); c.409G>A, p.Ala137Thr (NM_001382631.1); short protein forms A130T, A137T, A53T.
Identifiers: ClinVar variation 1423494 (VCV001423494.8), dbSNP rs201070520, ClinGen allele CA140975719.

ClinVar aggregate classification (germline): Uncertain significance (1 of 4 stars; one submission).

Conditions:
Salla disease (SD). Also called: Less Severe FSASD (Salla Disease); Sialuria, Finnish type; N-acetylneuraminic acid (NANA) storage disease (NSD); Infantile sialic acid storage disorder (ISSD). Identifiers: Orphanet 309334, Orphanet 834, MedGen C1096903, MONDO:0011449, OMIM 604369.

Submission:

Labcorp Genetics (formerly Invitae), Labcorp
Classification: Uncertain significance for Salla disease. Last evaluated: 2022-09-27. Review status: criteria provided, single submitter. Criteria: Invitae Variant Classification Sherloc (09022015). Collection method: clinical testing. Allele origin: germline.
Comment: This sequence change replaces alanine, which is neutral and non-polar, with threonine, which is neutral and polar, at codon 130 of the SLC17A5 protein (p.Ala130Thr). This variant is not present in population databases (gnomAD no frequency). This variant has not been reported in the literature in individuals affected with SLC17A5-related conditions. ClinVar contains an entry for this variant (Variation ID: 1423494). Advanced modeling of protein sequence and biophysical properties (such as structural, functional, and spatial information, amino acid conservation, physicochemical variation, residue mobility, and thermodynamic stability) performed at Invitae indicates that this missense variant is not expected to disrupt SLC17A5 protein function. In summary, the available evidence is currently insufficient to determine the role of this variant in disease. Therefore, it has been classified as a Variant of Uncertain Significance.